The following is an entry in ClinVar:

NM_001300942.2(EMSY):c.3693T>C (p.Thr1231=)

Gene: EMSY (EMSY transcriptional repressor, BRCA2 interacting; plus strand). Cytogenetic location: 11q13.5.
Variant type: single nucleotide variant.
Coding change: c.3693T>C on transcript NM_001300942.2 (MANE Select); coding-DNA position 3693, T replaced by C.
Protein change: p.Thr1231=; no amino-acid change (threonine 1231 retained).
Molecular consequence: synonymous variant.
Genome position (GRCh38, 1-based): chr11:76,546,171, T>C. VCF-style: chr11-76546171-T-C. GRCh37 (hg19) VCF-style: chr11-76257215-T-C.
Other names: c.3651T>C, p.Thr1217= (NM_001300943.2, NM_001300944.2); c.3648T>C, p.Thr1216= (NM_020193.5).
Identifiers: ClinVar variation 3060664 (VCV003060664.2), dbSNP rs3753051, ClinGen allele CA6194412.

ClinVar aggregate classification (germline): Benign (0 of 4 stars; one submission).

Conditions:
EMSY-related disorder. Also called: EMSY-related condition.

Allele frequency attached by ClinVar (database versions not stated): 1000 Genomes Project 0.20687; 1000 Genomes Project 30x 0.20831; TOPMed 0.25886; gnomAD 0.26862; ESP Exome Variant Server 0.28628.
gnomAD v4.1: 482,236 of 1,613,946 alleles (30%); highest among the groups gnomAD compares: Non-Finnish European, 32%; 74,573 homozygotes.

Submission:

PreventionGenetics, part of Exact Sciences
Classification: Benign for EMSY-related condition. Last evaluated: 2021-10-27. Review status: no assertion criteria provided. Collection method: clinical testing. Allele origin: germline.
Comment: This variant is classified as benign based on ACMG/AMP sequence variant interpretation guidelines (Richards et al. 2015 PMID: 25741868, with internal and published modifications).